The following is an entry in ClinVar:

ClinVar aggregate classification (germline): Likely benign. Review status: criteria provided, multiple submitters, no conflicts (2 of 4 stars). 2 submissions from 2 submitters: Likely benign (2). Last evaluated 2025-09-23.

Conditions:
LAMA2-related muscular dystrophy (LAMA2-RD). Also called: Laminin alpha 2-related dystrophy. Identifiers: MedGen C5679788, MONDO:0100228.

Allele frequency attached by ClinVar (database versions not stated): TOPMed 0.00007.
gnomAD v4.1: 39 of 1,573,122 alleles (0.0025%); highest among the groups gnomAD compares: East Asian, 0.011%; no homozygotes.

Submissions (2):

Labcorp Genetics (formerly Invitae), Labcorp
Classification: Likely benign for LAMA2-related muscular dystrophy. Last evaluated: 2025-09-23. Review status: criteria provided, single submitter. Criteria: Invitae Variant Classification Sherloc (09022015). Collection method: clinical testing. Allele origin: germline.

GeneDx
Classification: Likely benign. Last evaluated: 2017-01-04. Review status: criteria provided, single submitter. Criteria: GeneDx Variant Classification (06012015). Collection method: clinical testing. Allele origin: germline. Affected: yes.
Comment: This variant is considered likely benign or benign based on one or more of the following criteria: it is a conservative change, it occurs at a poorly conserved position in the protein, it is predicted to be benign by multiple in silico algorithms, and/or has population frequency not consistent with disease.

NM_000426.4(LAMA2):c.2451-18G>A

Gene: LAMA2 (laminin subunit alpha 2; plus strand). Cytogenetic location: 6q22.33.
Variant type: single nucleotide variant.
Coding change: c.2451-18G>A on transcript NM_000426.4 (MANE Select); 18 bases into the intron before coding-DNA position 2451, G replaced by A.
Molecular consequence: intron variant.
Genome position (GRCh38, 1-based): chr6:129,280,043, G>A. VCF-style: chr6-129280043-G-A. GRCh37 (hg19) VCF-style: chr6-129601188-G-A.
Other names: c.2451-18G>A (NM_001079823.2).
Identifiers: ClinVar variation 392454 (VCV000392454.9), dbSNP rs142989915, ClinGen allele CA3992953.